The following is an entry in ClinVar:

NM_032119.4(ADGRV1):c.8540_8543del (p.Phe2847fs)

Gene: ADGRV1 (adhesion G protein-coupled receptor V1; plus strand). Cytogenetic location: 5q14.3.
Variant type: Deletion.
Coding change: c.8540_8543del on transcript NM_032119.4 (MANE Select); coding-DNA positions 8540 to 8543, 4 bases deleted (TCAT; older notation c.8540_8543delTCAT).
Protein change: p.Phe2847fs; shifts the reading frame from phenylalanine 2847.
Molecular consequence: frameshift variant. On other transcripts: non-coding transcript variant (1).
Genome position (GRCh38, 1-based): chr5:90,705,553-90,705,556, TCAT deleted; deleting any 4 consecutive bases within chr5:90,705,552-90,705,556 gives the same sequence; the c. name uses the placement nearest the transcript's 3' end. VCF-style (leftmost placement, unchanged base first): chr5-90705551-TTTCA-T. GRCh37 (hg19) VCF-style: chr5-90001368-TTTCA-T.
Other names: short protein forms F2847fs.
Identifiers: ClinVar variation 2109126 (VCV002109126.4), dbSNP rs2531082087, ClinGen allele CA2580073793.

ClinVar aggregate classification (germline): Pathogenic (1 of 4 stars; one submission).

Submission:

Labcorp Genetics (formerly Invitae), Labcorp
Classification: Pathogenic. Last evaluated: 2022-03-24. Review status: criteria provided, single submitter. Criteria: Invitae Variant Classification Sherloc (09022015). Collection method: clinical testing. Allele origin: germline.
Comment: This sequence change creates a premature translational stop signal (p.Phe2847Serfs*8) in the ADGRV1 gene. It is expected to result in an absent or disrupted protein product. Loss-of-function variants in ADGRV1 are known to be pathogenic (PMID: 19357117, 22135276, 22147658, 26226137, 26667666, 30029497, 32467589). This variant is not present in population databases (gnomAD no frequency). This variant has not been reported in the literature in individuals affected with ADGRV1-related conditions. For these reasons, this variant has been classified as Pathogenic.

Literature cited by the submitters: PubMed 19357117; PubMed 22135276; PubMed 22147658; PubMed 26226137; PubMed 26667666; PubMed 30029497; PubMed 32467589.